The following is an entry in ClinVar:

ClinVar aggregate classification (germline): Uncertain significance (1 of 4 stars; one submission).

Submission:

GeneDx
Classification: Uncertain significance. Last evaluated: 2023-05-24. Review status: criteria provided, single submitter. Criteria: GeneDx Variant Classification Process June 2021. Collection method: clinical testing. Allele origin: germline. Affected: yes.
Comment: Not observed at significant frequency in large population cohorts (gnomAD); In silico analysis supports that this missense variant does not alter protein structure/function; Has not been previously published as pathogenic or benign to our knowledge

NM_001365088.1(SLC12A6):c.3095C>G (p.Ser1032Cys)

Gene: SLC12A6 (solute carrier family 12 member 6; minus strand). Cytogenetic location: 15q14.
Variant type: single nucleotide variant.
Coding change: c.3095C>G on transcript NM_001365088.1 (MANE Select); coding-DNA position 3095, C replaced by G.
Protein change: p.Ser1032Cys; replaces serine 1032 with cysteine.
Molecular consequence: missense variant.
Genome position (GRCh38, 1-based): chr15:34,236,147, G>C on the plus strand (C>G on the coding strand, the complement: SLC12A6 is on the minus strand). VCF-style: chr15-34236147-G-C. GRCh37 (hg19) VCF-style: chr15-34528348-G-C.
Other names: c.2918C>G, p.Ser973Cys (NM_001042494.2, NM_001042495.2); c.3068C>G, p.Ser1023Cys (NM_001042496.2); c.3050C>G, p.Ser1017Cys (NM_001042497.2); c.2942C>G, p.Ser981Cys (NM_005135.2); c.3095C>G, p.Ser1032Cys (NM_133647.2); short protein forms S1017C, S1023C, S1032C, S973C, S981C.
Identifiers: ClinVar variation 3343238 (VCV003343238.1).